The following is an entry in ClinVar:

ClinVar aggregate classification (germline): Uncertain significance (1 of 4 stars; one submission).

Conditions:
Wilson disease (WND). Also called: Wilson's disease. Identifiers: Orphanet 905, MedGen C0019202, MONDO:0010200, OMIM 277900. Disease mechanism: loss of function.

Submission:

Color Diagnostics, LLC DBA Color Health
Classification: Uncertain significance for Wilson disease. Last evaluated: 2025-09-11. Review status: criteria provided, single submitter. Criteria: ACMG Guidelines, 2015. Collection method: clinical testing. Allele origin: germline.
Comment: This missense variant replaces serine with proline at codon 630 of the ATP7B protein. Computational prediction suggests that this variant may have deleterious impact on protein structure and function. To our knowledge, functional studies have not been reported for this variant. This variant has not been reported in individuals affected with ATP7B-related disorders in the literature. This variant has not been identified in the general population by the Genome Aggregation Database (gnomAD). The available evidence is insufficient to determine the role of this variant in disease conclusively. Therefore, this variant is classified as a Variant of Uncertain Significance.

NM_000053.4(ATP7B):c.1888T>C (p.Ser630Pro)

Gene: ATP7B (ATPase copper transporting beta; minus strand). Cytogenetic location: 13q14.3.
Variant type: single nucleotide variant.
Coding change: c.1888T>C on transcript NM_000053.4 (MANE Select); coding-DNA position 1888, T replaced by C.
Protein change: p.Ser630Pro; replaces serine 630 with proline.
Molecular consequence: missense variant. On other transcripts: intron variant (13).
Genome position (GRCh38, 1-based): chr13:51,961,895, A>G on the plus strand (T>C on the coding strand, the complement: ATP7B is on the minus strand). VCF-style: chr13-51961895-A-G. GRCh37 (hg19) VCF-style: chr13-52536031-A-G.
Other names: c.1555T>C, p.Ser519Pro (NM_001243182.2); c.1888T>C, p.Ser630Pro (NM_001330578.2, NM_001406511.1, NM_001406512.1 and 16 more transcripts); c.1855T>C, p.Ser619Pro (NM_001406514.1, NM_001406524.1); c.1792T>C, p.Ser598Pro (NM_001406517.1, NM_001406518.1, NM_001406536.1 and 1 more transcripts); c.1459T>C, p.Ser487Pro (NM_001406539.1); c.1869+2977T>C (NM_001406541.1, NM_001406531.1, NM_001406532.1 and 5 more transcripts); c.1773+2977T>C (NM_001406543.1, NM_001406544.1); c.1286-11734T>C (NM_001406548.1); and 1 more; short protein forms S487P, S519P, S598P, S619P, S630P.
Identifiers: ClinVar variation 4756549 (VCV004756549.1).